The following is an entry in ClinVar:

ClinVar aggregate classification (germline): Likely benign. Review status: criteria provided, multiple submitters, no conflicts (2 of 4 stars). 2 submissions from 2 submitters: Likely benign (2). Last evaluated 2026-02-05.

Conditions:
EPHB4-related disorder. Also called: EPHB4-related disorders; EPHB4-related condition.
Cardiovascular phenotype. Identifiers: MedGen CN230736.

Submissions (2):

PreventionGenetics, part of Exact Sciences
Classification: Likely benign for EPHB4-related condition. Last evaluated: 2026-02-05. Review status: criteria provided, single submitter. Criteria: ACMG Guidelines, 2015. Collection method: clinical testing. Allele origin: germline.
Comment: This variant is classified as likely benign based on ACMG/AMP sequence variant interpretation guidelines (Richards et al. 2015 PMID: 25741868, with internal and published modifications).

Ambry Genetics
Classification: Likely benign for Cardiovascular phenotype. Last evaluated: 2021-07-07. Review status: criteria provided, single submitter. Criteria: Ambry Variant Classification Scheme 2023. Collection method: clinical testing. Allele origin: germline.

NM_004444.5(EPHB4):c.366G>T (p.Thr122=)

Gene: EPHB4 (EPH receptor B4; minus strand). Cytogenetic location: 7q22.1.
Variant type: single nucleotide variant.
Coding change: c.366G>T on transcript NM_004444.5 (MANE Select); coding-DNA position 366, G replaced by T.
Protein change: p.Thr122=; no amino-acid change (threonine 122 retained).
Molecular consequence: synonymous variant.
Genome position (GRCh38, 1-based): chr7:100,823,689, C>A on the plus strand (G>T on the coding strand, the complement: EPHB4 is on the minus strand). VCF-style: chr7-100823689-C-A. GRCh37 (hg19) VCF-style: chr7-100421311-C-A.
Identifiers: ClinVar variation 1733775 (VCV001733775.3), dbSNP rs146092347, ClinGen allele CA456757892.